The following is an entry in ClinVar:

NM_016169.4(SUFU):c.26C>T (p.Ala9Val)

Genes: SUFU (SUFU negative regulator of hedgehog signaling; plus strand), LOC130004614 (ATAC-STARR-seq lymphoblastoid silent region 2764; plus strand). Cytogenetic location: 10q24.32.
Variant type: single nucleotide variant.
Coding change: c.26C>T on transcript NM_016169.4 (MANE Select); coding-DNA position 26, C replaced by T.
Protein change: p.Ala9Val; replaces alanine 9 with valine.
Molecular consequence: missense variant.
Genome position (GRCh38, 1-based): chr10:102,504,178, C>T. VCF-style: chr10-102504178-C-T. GRCh37 (hg19) VCF-style: chr10-104263935-C-T.
Other names: c.26C>T, p.Ala9Val (NM_001178133.2); short protein forms A9V.
Identifiers: ClinVar variation 524666 (VCV000524666.20), dbSNP rs775491374, ClinGen allele CA377886134.
Genomic context (GRCh38, chr10:102,504,178, plus strand): 5'-CTCCAGTTCCCCCAGTGCCTGCCCTACGCACCCCGATGGCGGAGCTGCGGCCTAGCGGCG[C>T]CCCCGGCCCCACCGCGCCCCCGGCCCCTGGCCCGACTGCCCCCCCGGCCTTCGCTTCGCT-3'
Protein context (NP_057253.2, residues 1-19): MAELRPSG[Ala9Val]PGPTAPPAPG

ClinVar aggregate classification (germline): Conflicting classifications of pathogenicity. Review status: criteria provided, conflicting classifications (1 of 4 stars). 5 submissions from 5 submitters: Uncertain significance (4); Likely benign (1). Last evaluated 2025-12-08.

Conditions:
Gorlin syndrome. Also called: Basal cell nevus syndrome; Nevoid Basal Cell Carcinoma Syndrome. Identifiers: Orphanet 377, MedGen C0004779, MONDO:0007187.
Medulloblastoma (MDB). Also called: Medulloblastoma, somatic; MEDULLOBLASTOMA PREDISPOSITION SYNDROME. Identifiers: Orphanet 616, MedGen C0025149, MeSH D008527, MONDO:0007959, OMIM 155255, HP:0002885.
Familial meningioma. Also called: Meningioma, familial, susceptibility to. Identifiers: Orphanet 263662, MedGen C3551915, MONDO:0011789, OMIM 607174.
Hereditary cancer-predisposing syndrome. Also called: Neoplastic Syndromes, Hereditary; Tumor predisposition; Hereditary neoplastic syndrome; Hereditary Cancer Syndrome. Identifiers: Orphanet 140162, MedGen C0027672, MeSH D009386, MONDO:0015356.
Joubert syndrome 32 (JBTS32). Identifiers: MedGen C4540342, MONDO:0033309, OMIM 617757.
Basal cell nevus syndrome 2 (BCNS2). Also called: NEVOID BASAL CELL CARCINOMA SYNDROME 2. Identifiers: MedGen C5830451, MONDO:0958189, OMIM 620343.

Allele frequency attached by ClinVar (database versions not stated): gnomAD exomes 0.00001.
gnomAD v4.1: 7 of 1,544,150 alleles (0.00045%); highest among the groups gnomAD compares: Admixed American, 0.0059%; no homozygotes.

Submissions (5):

Labcorp Genetics (formerly Invitae), Labcorp
Classification: Uncertain significance for Gorlin syndrome; Medulloblastoma. Last evaluated: 2025-12-08. Review status: criteria provided, single submitter. Criteria: Invitae Variant Classification Sherloc (09022015). Collection method: clinical testing. Allele origin: germline.
Comment: This sequence change replaces alanine, which is neutral and non-polar, with valine, which is neutral and non-polar, at codon 9 of the SUFU protein (p.Ala9Val). This variant is present in population databases (no rsID available, gnomAD 0.004%). This variant has not been reported in the literature in individuals affected with SUFU-related conditions. ClinVar contains an entry for this variant (Variation ID: 524666). An algorithm developed to predict the effect of missense changes on protein structure and function (PolyPhen-2) suggests that this variant is likely to be disruptive. In summary, the available evidence is currently insufficient to determine the role of this variant in disease. Therefore, it has been classified as a Variant of Uncertain Significance.

Fulgent Genetics
Classification: Uncertain significance for Medulloblastoma; Familial meningioma; Joubert syndrome 32; Basal cell nevus syndrome 2. Last evaluated: 2024-06-20. Review status: criteria provided, single submitter. Criteria: ACMG Guidelines, 2015. Collection method: clinical testing. Allele origin: germline.

Baylor Genetics
Classification: Uncertain significance for Familial meningioma. Last evaluated: 2023-05-14. Review status: criteria provided, single submitter. Criteria: ACMG Guidelines, 2015. Collection method: clinical testing. Allele origin: unknown.

Ambry Genetics
Classification: Likely benign for Hereditary cancer-predisposing syndrome. Last evaluated: 2022-11-23. Review status: criteria provided, single submitter. Criteria: Ambry Variant Classification Scheme 2023. Collection method: clinical testing. Allele origin: germline.

Institute for Clinical Genetics, University Hospital TU Dresden, University Hospital TU Dresden
Classification: Uncertain significance. Last evaluated: 2021-11-03. Review status: criteria provided, single submitter. Criteria: ACMG Guidelines, 2015. Collection method: clinical testing. Allele origin: germline.